The following is an entry in ClinVar:

ClinVar aggregate classification (germline): Conflicting classifications of pathogenicity. Review status: criteria provided, conflicting classifications (1 of 4 stars). 2 submissions from 2 submitters: Likely pathogenic (1); Uncertain significance (1). Last evaluated 2022-01-07.

Conditions:
Intellectual disability, autosomal dominant 9 (NESCAVS). Also called: NESCAV SYNDROME; KIF1A-Related Neurodevelopmental Disorder. Identifiers: Orphanet 662367, MedGen C5393830, MONDO:0013656, OMIM 614255.

Submissions (2):

Greenwood Genetic Center Diagnostic Laboratories, Greenwood Genetic Center
Classification: Uncertain significance. Last evaluated: 2022-01-07. Review status: criteria provided, single submitter. Criteria: ACMG Guidelines, 2015. Collection method: clinical testing. Allele origin: germline. Affected: yes.
Comment: PM2

MGZ Medical Genetics Center
Classification: Likely pathogenic for Intellectual disability, autosomal dominant 9. Last evaluated: 2021-07-01. Review status: criteria provided, single submitter. Criteria: ACMG Guidelines, 2015. Collection method: clinical testing. Allele origin: germline. Affected: yes. Observed: 1 variant allele.
Comment: ACMG criteria applied: PS2_MOD, PM1, PM2_SUP, PP2, PP3

NM_001244008.2(KIF1A):c.935C>A (p.Thr312Asn)

Gene: KIF1A (kinesin family member 1A; minus strand). Cytogenetic location: 2q37.3.
Variant type: single nucleotide variant.
Coding change: c.935C>A on transcript NM_001244008.2 (MANE Select); coding-DNA position 935, C replaced by A.
Protein change: p.Thr312Asn; replaces threonine 312 with asparagine.
Molecular consequence: missense variant.
Genome position (GRCh38, 1-based): chr2:240,775,874, G>T on the plus strand (C>A on the coding strand, the complement: KIF1A is on the minus strand). VCF-style: chr2-240775874-G-T. GRCh37 (hg19) VCF-style: chr2-241715291-G-T.
Other names: c.935C>A, p.Thr312Asn (NM_001320705.2, NM_001330289.2, NM_001330290.2 and 20 more transcripts); short protein forms T312N.
Identifiers: ClinVar variation 1676446 (VCV001676446.5), dbSNP rs779049732, ClinGen allele CA2208592.